The following is an entry in ClinVar:

ClinVar aggregate classification (germline): Likely benign. Review status: criteria provided, multiple submitters, no conflicts (2 of 4 stars). 3 submissions from 3 submitters: Likely benign (3). Last evaluated 2025-12-29.

Submissions (3):

Labcorp Genetics (formerly Invitae), Labcorp
Classification: Likely benign. Last evaluated: 2025-12-29. Review status: criteria provided, single submitter. Criteria: Invitae Variant Classification Sherloc (09022015). Collection method: clinical testing. Allele origin: germline.

Blueprint Genetics
Classification: Likely benign. Last evaluated: 2022-11-14. Review status: criteria provided, single submitter. Criteria: ACMG Guidelines, 2015. Collection method: clinical testing. Allele origin: germline.

GeneDx
Classification: Likely benign. Last evaluated: 2016-12-12. Review status: criteria provided, single submitter. Criteria: GeneDx Variant Classification (06012015). Collection method: clinical testing. Allele origin: germline. Affected: yes.
Comment: This variant is considered likely benign or benign based on one or more of the following criteria: it is a conservative change, it occurs at a poorly conserved position in the protein, it is predicted to be benign by multiple in silico algorithms, and/or has population frequency not consistent with disease.

NM_001854.4(COL11A1):c.991-14del

Gene: COL11A1 (collagen type XI alpha 1 chain; minus strand). Cytogenetic location: 1p21.1.
Variant type: Deletion.
Coding change: c.991-14del on transcript NM_001854.4 (MANE Select); 14 bases into the intron before coding-DNA position 991, one base deleted (A; older notation c.991-14delA).
Molecular consequence: intron variant.
Genome position (GRCh38, 1-based): chr1:103,023,010, T deleted on the plus strand (A on the coding strand, the reverse complement: COL11A1 is on the minus strand); the first of 2 consecutive T bases (chr1:103,023,010-103,023,011); deleting either gives the same sequence. VCF-style (leftmost placement, unchanged base first): chr1-103023009-AT-A. GRCh37 (hg19) VCF-style: chr1-103488565-AT-A.
Other names: c.991-14delA (NM_001854.3); c.874-14del (NM_001190709.2); c.1027-14del (NM_080629.3); c.898-1241del (NM_080630.4).
Identifiers: ClinVar variation 422263 (VCV000422263.10), dbSNP rs768258098, ClinGen allele CA975148.